The following is an entry in ClinVar:

NM_138927.4(SON):c.4638A>G (p.Glu1546=)

Gene: SON (SON DNA and RNA binding protein; plus strand). Cytogenetic location: 21q22.11.
Variant type: single nucleotide variant.
Coding change: c.4638A>G on transcript NM_138927.4 (MANE Select); coding-DNA position 4638, A replaced by G.
Protein change: p.Glu1546=; no amino-acid change (glutamic acid 1546 retained).
Molecular consequence: synonymous variant. On other transcripts: non-coding transcript variant (1), intron variant (1).
Genome position (GRCh38, 1-based): chr21:33,553,869, A>G. VCF-style: chr21-33553869-A-G. GRCh37 (hg19) VCF-style: chr21-34926175-A-G.
Other names: c.4638A>G, p.Glu1546= (NM_001291411.2, NM_032195.3); c.245-3287A>G (NM_001291412.3).
Identifiers: ClinVar variation 737289 (VCV000737289.8), dbSNP rs758818850, ClinGen allele CA10009577.
Genomic context (GRCh38, chr21:33,553,869, plus strand): 5'-TGAACATGGTATAAATATAGACCTTAATATAAATAATCATTTAATTGCTAAAGAGATGGA[A>G]CATAATACAGTGTGTGCTGCTGGTACTAGTCCTGTTGGGGAAATTGGTGAAGAGAAAATT-3'
Protein context (NP_620305.3, residues 1536-1556): INNHLIAKEM[Glu1546=]HNTVCAAGTS

ClinVar aggregate classification (germline): Conflicting classifications of pathogenicity. Review status: criteria provided, conflicting classifications (1 of 4 stars). 3 submissions from 3 submitters: Uncertain significance (1); Likely benign (2). Last evaluated 2024-11-01.

Conditions:
ZTTK syndrome (ZTTKS). Also called: Zhu-Tokita-Takenouchi-Kim Syndrome; ZTTK MULTIPLE CONGENITAL ANOMALIES-MENTAL RETARDATION SYNDROME. Identifiers: Orphanet 500150, MedGen C4310696, MONDO:0014936, OMIM 617140.

Allele frequency attached by ClinVar (database versions not stated): gnomAD exomes below 0.00001; ExAC 0.00001; gnomAD 0.00001; TOPMed 0.00001.

Submissions (3):

Blueprint Genetics
Classification: Likely benign. Last evaluated: 2024-11-01. Review status: criteria provided, single submitter. Criteria: ACMG Guidelines, 2015. Collection method: clinical testing. Allele origin: germline.

Labcorp Genetics (formerly Invitae), Labcorp
Classification: Likely benign. Last evaluated: 2024-04-03. Review status: criteria provided, single submitter. Criteria: Invitae Variant Classification Sherloc (09022015). Collection method: clinical testing. Allele origin: germline.

Baylor Genetics
Classification: Uncertain significance for ZTTK syndrome. Last evaluated: 2018-04-05. Review status: criteria provided, single submitter. Criteria: ACMG Guidelines, 2015. Collection method: clinical testing. Allele origin: maternal. Affected: yes.
Comment: This variant was determined to be of uncertain significance according to ACMG Guidelines, 2015 [PMID:25741868].